The following is an entry in ClinVar:

ClinVar aggregate classification (germline): Uncertain significance (0 of 4 stars; one submission).

Conditions:
PCNT-related disorder. Also called: PCNT-related condition.

gnomAD v4.1: 1 of 1,612,116 alleles (0.000062%); highest among the groups gnomAD compares: African/African-American, 0.0013%; no homozygotes.

Submission:

PreventionGenetics, part of Exact Sciences
Classification: Uncertain significance for PCNT-related condition. Last evaluated: 2024-01-11. Review status: no assertion criteria provided. Collection method: clinical testing. Allele origin: germline.
Comment: The PCNT c.29G>C variant is predicted to result in the amino acid substitution p.Arg10Thr. To our knowledge, this variant has not been reported in the literature or in a large population database, indicating this variant is rare. At this time, the clinical significance of this variant is uncertain due to the absence of conclusive functional and genetic evidence.

NM_006031.6(PCNT):c.29G>C (p.Arg10Thr)

Gene: PCNT (pericentrin; plus strand). Cytogenetic location: 21q22.3.
Variant type: single nucleotide variant.
Coding change: c.29G>C on transcript NM_006031.6 (MANE Select); coding-DNA position 29, G replaced by C.
Protein change: p.Arg10Thr; replaces arginine 10 with threonine.
Molecular consequence: missense variant.
Genome position (GRCh38, 1-based): chr21:46,324,257, G>C. VCF-style: chr21-46324257-G-C. GRCh37 (hg19) VCF-style: chr21-47744171-G-C.
Other names: short protein forms R10T.
Identifiers: ClinVar variation 3061468 (VCV003061468.2), dbSNP rs749953818, ClinGen allele CA410554335.